The following is an entry in ClinVar:

NM_000334.4(SCN4A):c.1328T>C (p.Leu443Pro)

Gene: SCN4A (sodium voltage-gated channel alpha subunit 4; minus strand). Cytogenetic location: 17q23.3.
Variant type: single nucleotide variant.
Coding change: c.1328T>C on transcript NM_000334.4 (MANE Select); coding-DNA position 1328, T replaced by C.
Protein change: p.Leu443Pro; replaces leucine 443 with proline.
Molecular consequence: missense variant.
Genome position (GRCh38, 1-based): chr17:63,964,592, A>G on the plus strand (T>C on the coding strand, the complement: SCN4A is on the minus strand). VCF-style: chr17-63964592-A-G. GRCh37 (hg19) VCF-style: chr17-62041952-A-G.
Other names: NM_000334.4(SCN4A):c.1328T>C; p.Leu443Pro; short protein forms L443P.
Identifiers: ClinVar variation 543808 (VCV000543808.8), dbSNP rs1555604153, ClinGen allele CA400635030.
Genomic context (GRCh38, chr17:63,964,592, plus strand): 5'-TCCTTATCCTCGGCCAGGGTGGCCTCATTCTGCTCGGCATATGCCATGGCCACCACGGCC[A>G]GGATCAGATTGATGAGGTAGAAAGAGCCCAGGAAGATGATGACCACGAAGAAGATCATGT-3'
Protein context (NP_000325.4, residues 433-453): LGSFYLINLI[Leu443Pro]AVVAMAYAEQ

ClinVar aggregate classification (germline): Conflicting classifications of pathogenicity. Review status: criteria provided, conflicting classifications (1 of 4 stars). 4 submissions from 4 submitters: Likely pathogenic (2); Uncertain significance (2). Last evaluated 2026-04-06.

Conditions:
SCN4A-related myopathy, autosomal recessive. Identifiers: MedGen CN294783, MONDO:0100121.
Hyperkalemic periodic paralysis. Also called: Familial hyperkalemic periodic paralysis; Gamstorp disease. Identifiers: Orphanet 682, MedGen C0238357, MONDO:0008224, OMIM 170500, HP:0007215.
Neuromuscular disease. Also called: Neuromuscular disorder; Neuromyopathy. Identifiers: Orphanet 68381, MedGen C0027868, MeSH D009468, MONDO:0019056.

Submissions (4):

GeneDx
Classification: Likely pathogenic. Last evaluated: 2026-04-06. Review status: criteria provided, single submitter. Criteria: GeneDx Variant Classification Process June 2021. Collection method: clinical testing. Allele origin: germline.
Comment: Not observed at significant frequency in large population cohorts (gnomAD); In silico analysis supports that this missense variant has a deleterious effect on protein structure/function; Has not been previously published as pathogenic or benign to our knowledge

Victorian Clinical Genetics Services, Murdoch Childrens Research Institute
Classification: Likely pathogenic for SCN4A-related myopathy, autosomal recessive. Last evaluated: 2025-11-30. Review status: criteria provided, single submitter. Criteria: ACMG Guidelines, 2015. Collection method: clinical testing. Allele origin: germline.
Comment: This variant is classified as Likely pathogenic. Evidence in support of pathogenic classification: Variant is absent from gnomAD (v2, v3 and v4); Missense variant consistently predicted to be damaging by in silico tool or highly conserved with a major amino acid change; Additional information: Variant is predicted to result in a missense amino acid change from leucine to proline; This variant is heterozygous; This gene is associated with both recessive and dominant disease. Phenotypes involving paralysis and myotonia are typically inherited in a dominant manner, whereas myasthenic syndrome and congenital myopathy display recessive inheritance (OMIM); Previous evidence of pathogenicity for this variant is inconclusive. This variant has been classified as a VUS and has been seen in an infant with hypotonia and a child with muscle weakness in infancy, global hypotonia, rigid spine, and contractures (ClinVar, personal communication); No published segregation evidence has been identified for this variant; No published functional evidence has been identified for this variant; No comparable missense variants have previous evidence for pathogenicity; Variant is located in the annotated ion transport protein repeat domain I (DECIPHER, Uniprot); Loss of function and gain of function are known mechanisms of disease in this gene and are associated with SCN4A-related disease (OMIM). Functional studies of missense variants have demonstrated both loss of function and gain of protein function effects (OMIM); Variants in this gene are known to have variable expressivity. Clinical phenotypes of autosomal recessive congenital myopathy range from severe lethal fetal hypokinesia to a classical form of congenital myopathy that improves with age (PMID: 26700687). In relation to autosomal dominant hyperkalaemic paralysis and myotonia, some individuals carrying pathogenic variants do not present with a typical clinical phenotype; however, they do have detectable signs of myotonia on EMG (PMID: 20301669).

Broad Center for Mendelian Genomics, Broad Institute of MIT and Harvard
Classification: Uncertain significance for Neuromuscular disease. Last evaluated: 2024-11-27. Review status: criteria provided, single submitter. Criteria: ACMG Guidelines, 2015. Collection method: curation. Allele origin: germline. Inheritance: Autosomal dominant inheritance. Study: GREGoR Consortium.
Comment: While this gene is still lacking sufficient evidence to establish a dominant mode of inheritance, we believe this is a possible novel mode of inheritance for neuromuscular disease. Given the limited information about the mode of inheritance, the significance of the p.Leu443Pro variant is uncertain. If you have any additional information about functional evidence or other individuals with this phenotype that also have heterozygous variants in SCN4A we encourage you to reach out to us.

Labcorp Genetics (formerly Invitae), Labcorp
Classification: Uncertain significance for Hyperkalemic periodic paralysis. Last evaluated: 2022-06-20. Review status: criteria provided, single submitter. Criteria: Invitae Variant Classification Sherloc (09022015). Collection method: clinical testing. Allele origin: germline.
Comment: This sequence change replaces leucine, which is neutral and non-polar, with proline, which is neutral and non-polar, at codon 443 of the SCN4A protein (p.Leu443Pro). This variant is not present in population databases (gnomAD no frequency). This variant has not been reported in the literature in individuals affected with SCN4A-related conditions. ClinVar contains an entry for this variant (Variation ID: 543808). Algorithms developed to predict the effect of missense changes on protein structure and function are either unavailable or do not agree on the potential impact of this missense change (SIFT: "Deleterious"; PolyPhen-2: "Probably Damaging"; Align-GVGD: "Class C0"). In summary, the available evidence is currently insufficient to determine the role of this variant in disease. Therefore, it has been classified as a Variant of Uncertain Significance.

Literature cited by the submitters: PubMed 20301669 (cited by Victorian Clinical Genetics Services, Murdoch Childrens Research Institute); PubMed 26700687 (cited by Victorian Clinical Genetics Services, Murdoch Childrens Research Institute).